The following is an entry in ClinVar:

ClinVar aggregate classification (germline): Uncertain significance (1 of 4 stars; one submission).

Conditions:
Inborn genetic diseases. Identifiers: MedGen C0950123, MeSH D030342.

gnomAD v4.1: 536 of 1,534,856 alleles (0.035%); highest among the groups gnomAD compares: Non-Finnish European, 0.041%; 2 homozygotes.

Submission:

Ambry Genetics
Classification: Uncertain significance for Inborn genetic diseases. Last evaluated: 2024-03-27. Review status: criteria provided, single submitter. Criteria: Ambry Variant Classification Scheme 2023. Collection method: clinical testing. Allele origin: germline.
Comment: The c.135+4A>T intronic alteration consists of a A to T substitution nucleotides after coding exon 1 in the TSEN15 gene. Based on insufficient or conflicting evidence, the clinical significance of this alteration remains unclear.

NM_052965.4(TSEN15):c.135+4A>T

Gene: TSEN15 (tRNA splicing endonuclease subunit 15; plus strand). Cytogenetic location: 1q25.3.
Variant type: single nucleotide variant.
Coding change: c.135+4A>T on transcript NM_052965.4 (MANE Select); 4 bases into the intron after coding-DNA position 135, A replaced by T.
Molecular consequence: intron variant.
Genome position (GRCh38, 1-based): chr1:184,051,894, A>T. VCF-style: chr1-184051894-A-T. GRCh37 (hg19) VCF-style: chr1-184021028-A-T.
Other names: c.135+4A>T (NM_001363643.2, NM_001300764.2, NM_001300766.2 and 1 more transcripts).
Identifiers: ClinVar variation 3329550 (VCV003329550.1).
Genomic context (GRCh38, chr1:184,051,894, plus strand): 5'-GGCGGTGGAGCTCCTTCGTGGGCCCCTGAGGACGCCTGGATGGGCACTCACCCTAAGGTC[A>T]GGAGGCGCGAGAGGAGCAGGGCGCCGTCCAGGCCCCTAACCCAGGCAGAACACTCCCAGG-3'